The following is an entry in ClinVar:

ClinVar aggregate classification (germline): Uncertain significance. Review status: criteria provided, multiple submitters, no conflicts (2 of 4 stars). 2 submissions from 2 submitters: Uncertain significance (2). Last evaluated 2022-07-25.

Conditions:
Inborn genetic diseases. Identifiers: MedGen C0950123, MeSH D030342.

Allele frequency attached by ClinVar (database versions not stated): ExAC 0.00002; gnomAD 0.00005; gnomAD exomes 0.00006; ESP Exome Variant Server 0.00008; TOPMed 0.00008.
gnomAD v4.1: 103 of 1,614,060 alleles (0.0064%); highest among the groups gnomAD compares: East Asian, 0.02%; no homozygotes.

Submissions (2):

Labcorp Genetics (formerly Invitae), Labcorp
Classification: Uncertain significance. Last evaluated: 2022-07-25. Review status: criteria provided, single submitter. Criteria: Invitae Variant Classification Sherloc (09022015). Collection method: clinical testing. Allele origin: germline.
Comment: This sequence change replaces valine, which is neutral and non-polar, with isoleucine, which is neutral and non-polar, at codon 266 of the AGXT protein (p.Val266Ile). This variant is present in population databases (rs142114432, gnomAD 0.02%). This variant has not been reported in the literature in individuals affected with AGXT-related conditions. Advanced modeling of protein sequence and biophysical properties (such as structural, functional, and spatial information, amino acid conservation, physicochemical variation, residue mobility, and thermodynamic stability) performed at Invitae indicates that this missense variant is not expected to disrupt AGXT protein function. In summary, the available evidence is currently insufficient to determine the role of this variant in disease. Therefore, it has been classified as a Variant of Uncertain Significance.

Ambry Genetics
Classification: Uncertain significance for Inborn genetic diseases. Last evaluated: 2021-09-30. Review status: criteria provided, single submitter. Criteria: Ambry Variant Classification Scheme 2023. Collection method: clinical testing. Allele origin: germline.

NM_000030.3(AGXT):c.796G>A (p.Val266Ile)

Gene: AGXT (alanine--glyoxylate aminotransferase; plus strand). Cytogenetic location: 2q37.3.
Variant type: single nucleotide variant.
Coding change: c.796G>A on transcript NM_000030.3 (MANE Select); coding-DNA position 796, G replaced by A.
Protein change: p.Val266Ile; replaces valine 266 with isoleucine.
Molecular consequence: missense variant.
Genome position (GRCh38, 1-based): chr2:240,875,954, G>A. VCF-style: chr2-240875954-G-A. GRCh37 (hg19) VCF-style: chr2-241815371-G-A.
Other names: c.796G>A (NM_000030.2); short protein forms V266I.
Identifiers: ClinVar variation 2200372 (VCV002200372.2), dbSNP rs142114432, ClinGen allele CA2209266.